The following is an entry in ClinVar:

ClinVar aggregate classification (germline): Pathogenic (1 of 4 stars; one submission).

Conditions:
Polycystic kidney disease, adult type (PKD1). Also called: Polycystic Kidney Disease 1, Autosomal Dominant; Polycystic kidney disease 1; Polycystic kidney disease 1, severe; POLYCYSTIC KIDNEY DISEASE 1 WITH OR WITHOUT POLYCYSTIC LIVER DISEASE; Polycystic Kidney, Autosomal Dominant; POLYCYSTIC KIDNEY DISEASE, ADULT, TYPE I. Identifiers: MedGen C3149841, MONDO:0008263, OMIM 173900.

Submission:

Victorian Clinical Genetics Services, Murdoch Childrens Research Institute
Classification: Pathogenic for Polycystic kidney disease, adult type. Last evaluated: 2026-02-26. Review status: criteria provided, single submitter. Criteria: ACMG Guidelines, 2015. Collection method: clinical testing. Allele origin: germline. Affected: yes.
Comment: This variant is classified as Pathogenic. Evidence in support of pathogenic classification: Variant is predicted to cause nonsense-mediated decay (NMD) and loss of protein (premature termination codon is located at least 54 nucleotides upstream of the final exon-exon junction); Variant is absent from gnomAD (v2, v3 and v4); Other NMD-predicted variant(s) comparable to the one identified in this case have very strong previous evidence for pathogenicity (ClinVar). Additional information: This variant is heterozygous; This gene is associated with autosomal dominant disease. Polycystic kidney disease 1 (MIM#173900) is predominantly caused by monoallelic variants, with rare reports of biallelic variants causing disease (OMIM); This variant has no previous evidence of pathogenicity; No published evidence of segregation with disease has been identified for this variant; No published functional evidence has been identified for this variant; Loss of function is a known mechanism of disease in this gene and is associated with polycystic kidney disease 1 (MIM#173900); Inheritance information for this variant is not currently available in this individual.

NM_001009944.3(PKD1):c.10196_10197dup (p.Leu3400fs)

Gene: PKD1 (polycystin 1, transient receptor potential channel interacting; minus strand). Cytogenetic location: 16p13.3.
Variant type: Duplication.
Coding change: c.10196_10197dup on transcript NM_001009944.3 (MANE Select); coding-DNA positions 10196 to 10197, 2 bases duplicated (AC; older notation c.10196_10197dupAC).
Protein change: p.Leu3400fs; shifts the reading frame from leucine 3400.
Molecular consequence: frameshift variant.
Genome position (GRCh38, 1-based): chr16:2,097,751-2,097,752, GT duplicated on the plus strand (AC on the coding strand, the reverse complement: PKD1 is on the minus strand). VCF-style (leftmost placement, unchanged base first): chr16-2097750-A-AGT. GRCh37 (hg19) VCF-style: chr16-2147751-A-AGT.
Other names: c.10193_10194dup, p.Leu3399fs (NM_000296.4); short protein forms L3399fs, L3400fs.
Identifiers: ClinVar variation 4845325 (VCV004845325.2).
Genomic context (GRCh38, chr16:2,097,750, plus strand): 5'-ACCTGCACCAGGGCTCGAGGTTTCTCTAGGGAACCCACCTCTTAGAATCATCCAGAAACA[A>AGT]GTCACTCTTCATCTGTCCAACAAAGGCCTGCTGAGAGGTGCACAGTGTCTTGAGTCCAAG-3'